The following is an entry in ClinVar:

NM_002755.4(MAP2K1):c.1091C>T (p.Ser364Phe)

Genes: MAP2K1 (mitogen-activated protein kinase kinase 1; plus strand), SNAPC5 (small nuclear RNA activating complex polypeptide 5; minus strand). Cytogenetic location: 15q22.31.
Variant type: single nucleotide variant.
Coding change: c.1091C>T on transcript NM_002755.4 (MANE Select); coding-DNA position 1091, C replaced by T.
Protein change: p.Ser364Phe; replaces serine 364 with phenylalanine.
Molecular consequence: missense variant. On other transcripts: 3 prime UTR variant (1), non-coding transcript variant (1).
Genome position (GRCh38, 1-based): chr15:66,490,524, C>T. VCF-style: chr15-66490524-C-T. GRCh37 (hg19) VCF-style: chr15-66782862-C-T.
Other names: c.*215G>A (NM_006049.4); c.947C>T, p.Ser316Phe (NM_001411065.1); short protein forms S316F, S364F.
Identifiers: ClinVar variation 2413054 (VCV002413054.40), dbSNP rs1893220220, ClinGen allele CA392938871.

ClinVar aggregate classification (germline): Uncertain significance (1 of 4 stars; one submission).

Submission:

GeneDx
Classification: Uncertain significance. Last evaluated: 2022-07-27. Review status: criteria provided, single submitter. Criteria: GeneDx Variant Classification Process June 2021. Collection method: clinical testing. Allele origin: germline. Affected: yes.
Comment: Not observed at significant frequency in large population cohorts (gnomAD); In silico analysis supports that this missense variant has a deleterious effect on protein structure/function; Missense variants in this gene are often considered pathogenic (HGMD); Has not been previously published as pathogenic or benign to our knowledge